The following is an entry in ClinVar:

NM_000059.4(BRCA2):c.5836T>C (p.Ser1946Pro)

Gene: BRCA2 (BRCA2 DNA repair associated; plus strand). Cytogenetic location: 13q13.1.
Variant type: single nucleotide variant.
Coding change: c.5836T>C on transcript NM_000059.4 (MANE Select); coding-DNA position 5836, T replaced by C.
Protein change: p.Ser1946Pro; replaces serine 1946 with proline.
Molecular consequence: missense variant.
Genome position (GRCh38, 1-based): chr13:32,340,191, T>C. VCF-style: chr13-32340191-T-C. GRCh37 (hg19) VCF-style: chr13-32914328-T-C.
Other names: short protein forms S1946P.
Identifiers: ClinVar variation 51948 (VCV000051948.32), dbSNP rs80358811, ClinGen allele CA023287.

ClinVar aggregate classification (germline): Conflicting classifications of pathogenicity. Review status: criteria provided, conflicting classifications (1 of 4 stars). 12 submissions from 12 submitters: Uncertain significance (7); Likely benign (2). 3 of the submissions do not count toward it. Last evaluated 2026-07-06.

Conditions:
BRCA2-related cancer predisposition. Identifiers: MedGen CN377758, MONDO:0700269.
BRCA2-related disorder. Also called: BRCA2-related condition; BRCA2-related disorders. Identifiers: MedGen CN239275.
Hereditary cancer-predisposing syndrome. Also called: Hereditary Cancer Syndrome; Neoplastic Syndromes, Hereditary; Hereditary neoplastic syndrome; Tumor predisposition. Identifiers: Orphanet 140162, MedGen C0027672, MeSH D009386, MONDO:0015356.
Hereditary breast ovarian cancer syndrome. Also called: Hereditary breast and ovarian cancer syndrome; Breast and ovarian cancer; BRCA1- and BRCA2-Associated Hereditary Breast and Ovarian Cancer; Hereditary breast and/or ovarian cancer syndrome; Hereditary breast and ovarian cancer; Hereditary breast and ovarian cancer syndrome (HBOC). Identifiers: Orphanet 145, MedGen C0677776, MeSH D061325, MONDO:0003582. Disease mechanism: loss of function.
Breast-ovarian cancer, familial, susceptibility to, 2 (BROVCA2). Also called: BRCA2 Hereditary Breast and Ovarian Cancer. Identifiers: Orphanet 145, MedGen C2675520, MONDO:0012933, OMIM 612555. Disease mechanism: loss of function.
Familial cancer of breast. Also called: hereditary breast carcinoma; BREAST CANCER, FAMILIAL; Hereditary breast cancer. Identifiers: Orphanet 227535, MedGen C0346153, MONDO:0016419, OMIM 114480. Disease mechanism: loss of function.

Allele frequency attached by ClinVar (database versions not stated): ExAC 0.00002; gnomAD 0.00002 and 0.00003; gnomAD exomes 0.00002; TOPMed 0.00002; 1000 Genomes Project 30x 0.00016; 1000 Genomes Project 0.00020.
gnomAD v4.1: 12 of 1,613,520 alleles (0.00074%); highest among the groups gnomAD compares: East Asian, 0.0067%; no homozygotes.

Submissions 1 to 7 of 12:

KCCC/NGS Laboratory, Kuwait Cancer Control Center
Classification: Uncertain significance for Breast-ovarian cancer, familial, susceptibility to, 2. Last evaluated: 2026-07-06. Review status: criteria provided, single submitter. Criteria: ACMG Guidelines, 2015. Collection method: clinical testing. Allele origin: germline. Inheritance: Autosomal dominant inheritance. Affected: yes.
Comment: A Variant of uncertain significance was detected in BRCA2 gene

PreventionGenetics, part of Exact Sciences
Classification: Uncertain significance for BRCA2-related condition. Last evaluated: 2026-06-19. Review status: criteria provided, single submitter. Criteria: ACMG Guidelines, 2015. Collection method: clinical testing. Allele origin: germline.
Comment: The BRCA2 c.5836T>C variant is predicted to result in the amino acid substitution p.Ser1946Pro. This variant has been reported in individuals with breast or ovarian cancer and also in control individuals (See for example: Table S1, Chao et al. 2016. PubMed ID: 27907908; Table S2, Gao et al. 2019. PubMed ID: 31825140; Zhang et al. 2022. PubMed ID: 35918668). A functional study shows this variant results in 0.98 of the homologous recombination as wild type and was determined to be benign (Guo et al. 2023. PubMed ID: 37731132). This variant is reported in 0.030% of alleles in individuals of East Asian descent in gnomAD and has conflicting classifications listed in ClinVar ranging from likely benign to uncertain (Variation ID: 51948). Although we suspect that this variant may be benign, at this time, the clinical significance of this variant is uncertain due to the absence of conclusive functional and genetic evidence.

Labcorp Genetics (formerly Invitae), Labcorp
Classification: Uncertain significance for Hereditary breast ovarian cancer syndrome. Last evaluated: 2026-01-19. Review status: criteria provided, single submitter. Criteria: Invitae Variant Classification Sherloc (09022015). Collection method: clinical testing. Allele origin: germline.
Comment: This sequence change replaces serine, which is neutral and polar, with proline, which is neutral and non-polar, at codon 1946 of the BRCA2 protein (p.Ser1946Pro). This variant is present in population databases (rs80358811, gnomAD 0.03%). This missense change has been observed in individual(s) with breast cancer, ovarian cancer, and/or squamous cell carcinoma (PMID: 27062684, 27907908, 28678401, 30287823, 30982232, 31825140, 32846166, 35300142, 35918668). ClinVar contains an entry for this variant (Variation ID: 51948). Invitae Evidence Modeling of protein sequence and biophysical properties (such as structural, functional, and spatial information, amino acid conservation, physicochemical variation, residue mobility, and thermodynamic stability) indicates that this missense variant is not expected to disrupt BRCA2 protein function with a negative predictive value of 95%. Experimental studies have shown that this missense change does not substantially affect BRCA2 function (PMID: 37731132). In summary, the available evidence is currently insufficient to determine the role of this variant in disease. Therefore, it has been classified as a Variant of Uncertain Significance.

All of Us Research Program, National Institutes of Health
Classification: Uncertain significance for BRCA2-related cancer predisposition. Last evaluated: 2024-08-13. Review status: criteria provided, single submitter. Criteria: ACMG Guidelines, 2015. Collection method: clinical testing. Allele origin: germline. Inheritance: Autosomal dominant inheritance. Observed: 7 variant alleles, 7 heterozygotes.
Comment: This missense variant replaces serine with proline at codon 1946 of the BRCA2 protein. Computational prediction suggests that this variant may not impact protein structure and function (internally defined REVEL score threshold <= 0.5, PMID: 27666373). To our knowledge, functional studies have not been reported for this variant. This variant has been reported in several individuals affected with breast or ovarian cancer (PMID: 30287823, 30982232, 32846166, 35300142). This variant was detected in two siblings affected with ovarian cancer and in two unaffected siblings in a family with a history of pancreatic and colorectal cancer (PMID: 27907908). In a large breast cancer case-control study conducted by the BRIDGES consortium, this variant was reported in 6/60466 cases and 4/53461 unaffected controls, showing inconclusive association with disease (OR=1.326 (95%CI 0.374 to 4.7); p-value=0.759; Leiden Open Variation Database DB-ID BRCA2_001760) (PMID: 33471991). This variant has been identified in 8/282304 chromosomes in the general population by the Genome Aggregation Database (gnomAD). The available evidence is insufficient to determine the role of this variant in disease conclusively. Therefore, this variant is classified as a Variant of Uncertain Significance.

This study involves interpretation of variants in research participants for the purpose of population health screening. Participant phenotype was not available at the time of variant classification. Additional details can be found in publication PMID: 35346344, PMCID: PMC8962531

Color Diagnostics, LLC DBA Color Health
Classification: Uncertain significance for Hereditary cancer-predisposing syndrome. Last evaluated: 2024-07-24. Review status: criteria provided, single submitter. Criteria: ACMG Guidelines, 2015. Collection method: clinical testing. Allele origin: germline.
Comment: This missense variant replaces serine with proline at codon 1946 of the BRCA2 protein. Computational prediction suggests that this variant may not impact protein structure and function. To our knowledge, functional studies have not been reported for this variant. This variant is not rare in the East Asian population as reported by the Genome Aggregation Database (gnomAD) in 6/19954 chromosomes. This variant has been reported in individuals affected with breast and/or ovarian cancer and in unaffected individuals from the East Asian populations (PMID: 14973102, 27157322, 27907908, 30287823, 32846166, 35300142). This variant has been detected to two Spanish individuals affected with breast cancer (PMID: 29884136) and in an Italian suspected hereditary breast and ovarian cancer family with a pathogenic covariant (PMID: 27062684), and it also has been detected in a breast cancer case-control meta-analysis in 6/60466 cases and 4/53461 unaffected individuals (PMID: 33471991; Leiden Open Variation Database DB-ID BRCA2_001760). The available evidence is insufficient to determine the role of this variant in disease conclusively. Therefore, this variant is classified as a Variant of Uncertain Significance.

University of Washington Department of Laboratory Medicine, University of Washington
Classification: Likely benign for Hereditary cancer-predisposing syndrome. Last evaluated: 2023-03-23. Review status: criteria provided, single submitter. Criteria: Dines et al. (Genet Med. 2020). Collection method: curation. Allele origin: germline.
Comment: Missense variant in a coldspot region where missense variants are very unlikely to be pathogenic (PMID:31911673).

BRCA2 exon 11 coldspot. Reclassification based on statistical prior probability.

Women's Health and Genetics/Laboratory Corporation of America, LabCorp
Classification: Uncertain significance. Last evaluated: 2022-04-24. Review status: criteria provided, single submitter. Criteria: LabCorp Variant Classification Summary - May 2015. Collection method: clinical testing. Allele origin: germline.
Comment: Variant summary: BRCA2 c.5836T>C (p.Ser1946Pro) results in a non-conservative amino acid change in the encoded protein sequence. Four of five in-silico tools predict a benign effect of the variant on protein function. The variant allele was found at a frequency of 2.4e-05 in 253498 control chromosomes. The available data on variant occurrences in the general population are insufficient to allow any conclusion about variant significance. c.5836T>C has been reported in the literature in individuals affected with Breast and Ovarian Cancer or other types of cancer (Suter_2004, Chao_2016, Azzollini_2016, Chandrasekharappa_2017, Pajares_2018, Wang_2019). In one study, this variant was found in two siblings affected with ovarian cancer (Chao_2016). However, it was also found in other two unaffected siblings (age unknown). These report(s) do not provide unequivocal conclusions about association of the variant with Hereditary Breast And Ovarian Cancer Syndrome. At-least one co-occurrence with another pathogenic variant(s) has been reported in the BIC database (BRCA1 c.5509T>C, p.Trp1837Arg), providing supporting evidence for a benign role. To our knowledge, no experimental evidence demonstrating an impact on protein function has been reported. Four clinical diagnostic laboratories have submitted clinical-significance assessments for this variant to ClinVar after 2014 without evidence for independent evaluation (VUS, n=3; likely benign, n=1). Based on the evidence outlined above, the variant was classified as VUS-possibly benign.